The following is an entry in ClinVar:

NM_006158.5(NEFL):c.269A>G (p.Glu90Gly)

Gene: NEFL (neurofilament light chain; minus strand). Cytogenetic location: 8p21.2.
Variant type: single nucleotide variant.
Coding change: c.269A>G on transcript NM_006158.5 (MANE Select); coding-DNA position 269, A replaced by G.
Protein change: p.Glu90Gly; replaces glutamic acid 90 with glycine.
Molecular consequence: missense variant.
Genome position (GRCh38, 1-based): chr8:24,956,247, T>C on the plus strand (A>G on the coding strand, the complement: NEFL is on the minus strand). VCF-style: chr8-24956247-T-C. GRCh37 (hg19) VCF-style: chr8-24813761-T-C.
Other names: short protein forms E90G.
Identifiers: ClinVar variation 841453 (VCV000841453.6), dbSNP rs1803053844, ClinGen allele CA370622979.

ClinVar aggregate classification (germline): Uncertain significance (1 of 4 stars; one submission).

Conditions:
Charcot-Marie-Tooth disease type 2E (CMT2E). Also called: CHARCOT-MARIE-TOOTH NEUROPATHY, TYPE 2E; CHARCOT-MARIE-TOOTH DISEASE, AXONAL, TYPE 2E. Identifiers: Orphanet 99939, MedGen C1843225, MONDO:0011894, OMIM 607684.

Submission:

Labcorp Genetics (formerly Invitae), Labcorp
Classification: Uncertain significance for Charcot-Marie-Tooth disease type 2E. Last evaluated: 2025-07-31. Review status: criteria provided, single submitter. Criteria: Invitae Variant Classification Sherloc (09022015). Collection method: clinical testing. Allele origin: germline.
Comment: This sequence change replaces glutamic acid, which is acidic and polar, with glycine, which is neutral and non-polar, at codon 90 of the NEFL protein (p.Glu90Gly). This variant is not present in population databases (gnomAD no frequency). This missense change has been observed in individuals with clinical features of autosomal dominant Charcot-Marie-Tooth disease (PMID: 31393079; internal data). ClinVar contains an entry for this variant (Variation ID: 841453). Invitae Evidence Modeling of protein sequence and biophysical properties (such as structural, functional, and spatial information, amino acid conservation, physicochemical variation, residue mobility, and thermodynamic stability) has been performed for this missense variant. However, the output from this modeling did not meet the statistical confidence thresholds required to predict the impact of this variant on NEFL protein function. This variant disrupts the p.Glu90 amino acid residue in NEFL. Other variant(s) that disrupt this residue have been determined to be pathogenic (PMID: 19158810, 28501821). This suggests that this residue is clinically significant, and that variants that disrupt this residue are likely to be disease-causing. In summary, the available evidence is currently insufficient to determine the role of this variant in disease. Therefore, it has been classified as a Variant of Uncertain Significance.

Literature cited by the submitters: PubMed 31393079; PubMed 19158810; PubMed 28501821.